The following is an entry in ClinVar:

ClinVar aggregate classification (germline): Benign. Review status: criteria provided, multiple submitters, no conflicts (2 of 4 stars). 5 submissions from 5 submitters: Benign (5). Last evaluated 2025-11-24.

Conditions:
Hypogonadotropic hypogonadism 11 with or without anosmia (HH11). Also called: TACR3-Related GnRH Deficiency; HYPOGONADOTROPIC HYPOGONADISM 11 WITHOUT ANOSMIA. Identifiers: Orphanet 478, MedGen C3553844, MONDO:0013913, OMIM 614840.

Allele frequency attached by ClinVar (database versions not stated): ESP Exome Variant Server 0.01561; gnomAD 0.01614 and 0.01503; TOPMed 0.01618; gnomAD exomes 0.00141 and 0.00370; ExAC 0.00459; 1000 Genomes Project 30x 0.01405; 1000 Genomes Project 0.01458.
gnomAD v4.1: 4,412 of 1,612,920 alleles (0.27%); highest among the groups gnomAD compares: African/African-American, 5.3%; 113 homozygotes.

Submissions (5):

Labcorp Genetics (formerly Invitae), Labcorp
Classification: Benign. Last evaluated: 2025-11-24. Review status: criteria provided, single submitter. Criteria: Invitae Variant Classification Sherloc (09022015). Collection method: clinical testing. Allele origin: germline.

Athena Diagnostics
Classification: Benign. Last evaluated: 2021-05-19. Review status: criteria provided, single submitter. Criteria: Athena Diagnostics criteria. Collection method: clinical testing. Allele origin: unknown.

Illumina Laboratory Services, Illumina
Classification: Benign for Hypogonadotropic hypogonadism 11 with or without anosmia. Last evaluated: 2017-04-28. Review status: criteria provided, single submitter. Criteria: ICSL Variant Classification Criteria 13 December 2019. Collection method: clinical testing. Allele origin: germline.
Comment: This variant was observed as part of a predisposition screen in an ostensibly healthy population. A literature search was performed for the gene, cDNA change, and amino acid change (where applicable). Publications were found based on this search. The evidence from the literature, in combination with allele frequency data from public databases where available, was sufficient to rule this variant out of causing disease. Therefore, this variant is classified as benign.

GeneDx
Classification: Benign. Last evaluated: 2017-04-21. Review status: criteria provided, single submitter. Criteria: GeneDx Variant Classification (06012015). Collection method: clinical testing. Allele origin: germline. Affected: yes.
Comment: This variant is considered likely benign or benign based on one or more of the following criteria: it is a conservative change, it occurs at a poorly conserved position in the protein, it is predicted to be benign by multiple in silico algorithms, and/or has population frequency not consistent with disease.

Breakthrough Genomics
Classification: Benign. Review status: criteria provided, single submitter. Criteria: ACMG Guidelines, 2015. Collection method: not provided. Allele origin: germline. Inheritance: Autosomal recessive inheritance. Affected: yes.

Literature cited by the submitters: PubMed 23329188 (cited by Athena Diagnostics and Illumina Laboratory Services, Illumina).

NM_001059.3(TACR3):c.873A>G (p.Leu291=)

Gene: TACR3 (tachykinin receptor 3; minus strand). Cytogenetic location: 4q24.
Variant type: single nucleotide variant.
Coding change: c.873A>G on transcript NM_001059.3 (MANE Select); coding-DNA position 873, A replaced by G.
Protein change: p.Leu291=; no amino-acid change (leucine 291 retained).
Molecular consequence: synonymous variant.
Genome position (GRCh38, 1-based): chr4:103,656,209, T>C on the plus strand (A>G on the coding strand, the complement: TACR3 is on the minus strand). VCF-style: chr4-103656209-T-C. GRCh37 (hg19) VCF-style: chr4-104577366-T-C.
Identifiers: ClinVar variation 516717 (VCV000516717.15), dbSNP rs35085919, ClinGen allele CA3031042.